The following is an entry in ClinVar:

ClinVar aggregate classification (germline): Pathogenic (1 of 4 stars; one submission).

Submission:

CeGaT Center for Human Genetics Tuebingen
Classification: Pathogenic. Last evaluated: 2025-07-01. Review status: criteria provided, single submitter. Criteria: CeGaT Center For Human Genetics Tuebingen Variant Classification Criteria Version 2. Collection method: clinical testing. Allele origin: germline. Affected: yes. Observed: 2 variant alleles.
Comment: SLC4A1: PVS1, PM2

NM_000342.4(SLC4A1):c.1221del (p.Ala408fs)

Gene: SLC4A1 (solute carrier family 4 member 1 (Diego blood group); minus strand). Cytogenetic location: 17q21.31.
Variant type: Deletion.
Coding change: c.1221del on transcript NM_000342.4 (MANE Select); coding-DNA position 1221, one base deleted (T; older notation c.1221delT).
Protein change: p.Ala408fs; shifts the reading frame from alanine 408.
Molecular consequence: frameshift variant.
Genome position (GRCh38, 1-based): chr17:44,258,047, A deleted on the plus strand (T on the coding strand, the reverse complement: SLC4A1 is on the minus strand). VCF-style (leftmost placement, unchanged base first): chr17-44258046-CA-C. GRCh37 (hg19) VCF-style: chr17-42335414-CA-C.
Other names: short protein forms A408fs.
Identifiers: ClinVar variation 3772072 (VCV003772072.13).